The following is an entry in ClinVar:

ClinVar aggregate classification (germline): Uncertain significance (1 of 4 stars; one submission).

Conditions:
Dilated cardiomyopathy 1O (CMD1O). Also called: CARDIOMYOPATHY, DILATED, WITH VENTRICULAR TACHYCARDIA. Identifiers: Orphanet 154, MedGen C1837839, MONDO:0012062, OMIM 608569.

Allele frequency attached by ClinVar (database versions not stated): gnomAD exomes below 0.00001; ExAC 0.00001.

Submission:

Labcorp Genetics (formerly Invitae), Labcorp
Classification: Uncertain significance for Dilated cardiomyopathy 1O. Last evaluated: 2021-06-08. Review status: criteria provided, single submitter. Criteria: Invitae Variant Classification Sherloc (09022015). Collection method: clinical testing. Allele origin: germline.
Comment: In summary, the available evidence is currently insufficient to determine the role of this variant in disease. Therefore, it has been classified as a Variant of Uncertain Significance. This sequence change falls in intron 6 of the ABCC9 gene. It does not directly change the encoded amino acid sequence of the ABCC9 protein. It affects a nucleotide within the consensus splice site of the intron. This variant is present in population databases (rs758833902, ExAC 0.002%). This variant has not been reported in the literature in individuals with ABCC9-related conditions. Nucleotide substitutions within the consensus splice site are a relatively common cause of aberrant splicing (PMID: 17576681, 9536098). Algorithms developed to predict the effect of sequence changes on RNA splicing suggest that this variant may disrupt the consensus splice site, but this prediction has not been confirmed by published transcriptional studies.

Literature cited by the submitters: PubMed 17576681; PubMed 9536098.

NM_020297.4(ABCC9):c.1011+6T>C

Gene: ABCC9 (ATP binding cassette subfamily C member 9; minus strand). Cytogenetic location: 12p12.1.
Variant type: single nucleotide variant.
Coding change: c.1011+6T>C on transcript NM_020297.4 (MANE Select); 6 bases into the intron after coding-DNA position 1011, T replaced by C.
Molecular consequence: intron variant.
Genome position (GRCh38, 1-based): chr12:21,912,866, A>G on the plus strand (T>C on the coding strand, the complement: ABCC9 is on the minus strand). VCF-style: chr12-21912866-A-G. GRCh37 (hg19) VCF-style: chr12-22065800-A-G.
Other names: c.147+6T>C (NM_001377274.1); c.1011+6T>C (NM_005691.4, NM_001377273.1).
Identifiers: ClinVar variation 1444423 (VCV001444423.6), dbSNP rs758833902, ClinGen allele CA6481762.